The following is an entry in ClinVar:

ClinVar aggregate classification (germline): Likely pathogenic (1 of 4 stars; one submission).

Submission:

GeneDx
Classification: Likely pathogenic. Last evaluated: 2022-06-07. Review status: criteria provided, single submitter. Criteria: GeneDx Variant Classification Process June 2021. Collection method: clinical testing. Allele origin: germline. Affected: yes.
Comment: Not observed at significant frequency in large population cohorts (gnomAD); In silico analysis supports that this missense variant has a deleterious effect on protein structure/function; Has not been previously published as pathogenic or benign to our knowledge

NM_001127222.2(CACNA1A):c.1762C>T (p.Arg588Cys)

Gene: CACNA1A (calcium voltage-gated channel subunit alpha1 A; minus strand). Cytogenetic location: 19p13.13.
Variant type: single nucleotide variant.
Coding change: c.1762C>T on transcript NM_001127222.2 (MANE Select); coding-DNA position 1762, C replaced by T.
Protein change: p.Arg588Cys; replaces arginine 588 with cysteine.
Molecular consequence: missense variant.
Genome position (GRCh38, 1-based): chr19:13,308,435, G>A on the plus strand (C>T on the coding strand, the complement: CACNA1A is on the minus strand). VCF-style: chr19-13308435-G-A. GRCh37 (hg19) VCF-style: chr19-13419249-G-A.
Other names: c.1765C>T, p.Arg589Cys (NM_000068.4, NM_001127221.2, NM_001174080.2 and 1 more transcripts); short protein forms R588C, R589C.
Identifiers: ClinVar variation 1691641 (VCV001691641.3), dbSNP rs1282985383, ClinGen allele CA404345054.